The following is an entry in ClinVar:

ClinVar aggregate classification (germline): Uncertain significance (1 of 4 stars; one submission).

gnomAD v4.1: 1 of 1,612,498 alleles (0.000062%); highest among the groups gnomAD compares: Non-Finnish European, 0.000085%; no homozygotes.

Submission:

GeneDx
Classification: Uncertain significance. Last evaluated: 2025-02-05. Review status: criteria provided, single submitter. Criteria: GeneDx Variant Classification Process June 2021. Collection method: clinical testing. Allele origin: germline. Affected: yes.
Comment: Not observed at significant frequency in large population cohorts (gnomAD); In silico analysis indicates that this missense variant does not alter protein structure/function; Has not been previously published as pathogenic or benign to our knowledge

NM_206933.4(USH2A):c.4766C>T (p.Pro1589Leu)

Gene: USH2A (usherin; minus strand). Cytogenetic location: 1q41.
Variant type: single nucleotide variant.
Coding change: c.4766C>T on transcript NM_206933.4 (MANE Select); coding-DNA position 4766, C replaced by T.
Protein change: p.Pro1589Leu; replaces proline 1589 with leucine.
Molecular consequence: missense variant.
Genome position (GRCh38, 1-based): chr1:216,089,132, G>A on the plus strand (C>T on the coding strand, the complement: USH2A is on the minus strand). VCF-style: chr1-216089132-G-A. GRCh37 (hg19) VCF-style: chr1-216262474-G-A.
Other names: short protein forms P1589L.
Identifiers: ClinVar variation 4074527 (VCV004074527.1).